The following is an entry in ClinVar:

ClinVar aggregate classification (germline): Uncertain significance. Review status: criteria provided, multiple submitters, no conflicts (2 of 4 stars). 5 submissions from 5 submitters: Uncertain significance (5). Last evaluated 2025-12-30.

Conditions:
Inborn genetic diseases. Identifiers: MedGen C0950123, MeSH D030342.
Intellectual disability, autosomal recessive 53 (NEDHSCA). Also called: GLYCOSYLPHOSPHATIDYLINOSITOL BIOSYNTHESIS DEFECT 13; Mental retardation, autosomal recessive 53; NEURODEVELOPMENTAL DISORDER WITH OR WITHOUT HYPOTONIA, SEIZURES, AND CEREBELLAR ATROPHY. Identifiers: Orphanet 488635, MedGen C4310794, MONDO:0014832, OMIM 616917.

Allele frequency attached by ClinVar (database versions not stated): ExAC 0.00001; gnomAD exomes 0.00003 and 0.00008; TOPMed 0.00003; gnomAD 0.00006 and 0.00007; 1000 Genomes Project 0.00020; 1000 Genomes Project 30x 0.00031.
gnomAD v4.1: 129 of 1,614,014 alleles (0.008%); highest among the groups gnomAD compares: Admixed American, 0.01%; no homozygotes.

Submissions (5):

GeneDx
Classification: Uncertain significance. Last evaluated: 2025-12-30. Review status: criteria provided, single submitter. Criteria: GeneDx Variant Classification Process June 2021. Collection method: clinical testing. Allele origin: germline.
Comment: Not observed at significant frequency in large population cohorts (gnomAD); In silico analysis supports that this missense variant has a deleterious effect on protein structure/function; Has not been previously published as pathogenic or benign to our knowledge

Blueprint Genetics
Classification: Uncertain significance. Last evaluated: 2024-11-04. Review status: criteria provided, single submitter. Criteria: ACMG Guidelines, 2015. Collection method: clinical testing. Allele origin: germline.

Women's Health and Genetics/Laboratory Corporation of America, LabCorp
Classification: Uncertain significance. Last evaluated: 2024-07-30. Review status: criteria provided, single submitter. Criteria: LabCorp Variant Classification Summary - May 2015. Collection method: clinical testing. Allele origin: germline.
Comment: Variant summary: PIGG c.1298A>G (p.Tyr433Cys) results in a non-conservative amino acid change in the encoded protein sequence. Four of five in-silico tools predict a damaging effect of the variant on protein function. The variant allele was found at a frequency of 2.8e-05 in 251444 control chromosomes. The available data on variant occurrences in the general population are insufficient to allow any conclusion about variant significance. To our knowledge, no occurrence of c.1298A>G in individuals affected with Intellectual Disability, Autosomal Recessive 53 and no experimental evidence demonstrating its impact on protein function have been reported. ClinVar contains an entry for this variant (Variation ID: 542886). Based on the evidence outlined above, the variant was classified as uncertain significance.

Ambry Genetics
Classification: Uncertain significance for Inborn genetic diseases. Last evaluated: 2022-12-29. Review status: criteria provided, single submitter. Criteria: Ambry Variant Classification Scheme 2023. Collection method: clinical testing. Allele origin: germline.

Labcorp Genetics (formerly Invitae), Labcorp
Classification: Uncertain significance for Intellectual disability, autosomal recessive 53. Last evaluated: 2022-08-15. Review status: criteria provided, single submitter. Criteria: Invitae Variant Classification Sherloc (09022015). Collection method: clinical testing. Allele origin: germline.
Comment: This sequence change replaces tyrosine, which is neutral and polar, with cysteine, which is neutral and slightly polar, at codon 433 of the PIGG protein (p.Tyr433Cys). This variant is present in population databases (rs201146360, gnomAD 0.006%). This variant has not been reported in the literature in individuals affected with PIGG-related conditions. ClinVar contains an entry for this variant (Variation ID: 542886). Algorithms developed to predict the effect of missense changes on protein structure and function are either unavailable or do not agree on the potential impact of this missense change (SIFT: "Tolerated"; PolyPhen-2: "Probably Damaging"; Align-GVGD: "Class C0"). In summary, the available evidence is currently insufficient to determine the role of this variant in disease. Therefore, it has been classified as a Variant of Uncertain Significance.

NM_001127178.3(PIGG):c.1298A>G (p.Tyr433Cys)

Gene: PIGG (phosphatidylinositol glycan anchor biosynthesis class G (EMM blood group); plus strand). Cytogenetic location: 4p16.3.
Variant type: single nucleotide variant.
Coding change: c.1298A>G on transcript NM_001127178.3 (MANE Select); coding-DNA position 1298, A replaced by G.
Protein change: p.Tyr433Cys; replaces tyrosine 433 with cysteine.
Molecular consequence: missense variant. On other transcripts: non-coding transcript variant (6), intron variant (4).
Genome position (GRCh38, 1-based): chr4:521,239, A>G. VCF-style: chr4-521239-A-G. GRCh37 (hg19) VCF-style: chr4-515028-A-G.
Other names: c.1298A>G (NM_001127178.1); c.1031A>G, p.Tyr344Cys (NM_001289051.2, NM_001289053.2, NM_001345986.2 and 1 more transcripts); c.899A>G, p.Tyr300Cys (NM_001289052.2); c.269A>G, p.Tyr90Cys (NM_001345988.2); c.1298A>G, p.Tyr433Cys (NM_001345989.2, NM_017733.5); c.224A>G, p.Tyr75Cys (NM_001345994.2); c.-202+12A>G (NM_001345991.2, NM_001345990.2); c.848-421A>G (NM_001289057.2); and 1 more; short protein forms Y433C, Y75C, Y300C, Y344C, Y90C.
Identifiers: ClinVar variation 542886 (VCV000542886.14), dbSNP rs201146360, ClinGen allele CA2793270.
Genomic context (GRCh38, chr4:521,239, plus strand): 5'-TGGATGCTCTGAAGACGCTGAGCTTGTCCCTGAGTGCACAAGTGGCCCAGTACGACATCT[A>G]TTCGATGATGGTGGGGACTGTCGTGGTTTTGGAGGTACAGATGCTCACACAGTCATGGCT-3'
Protein context (NP_001120650.1, residues 423-443): LSAQVAQYDI[Tyr433Cys]SMMVGTVVVL